The following is an entry in ClinVar:

NM_001282531.3(ADNP):c.511A>C (p.Thr171Pro)

Gene: ADNP (activity dependent neuroprotector homeobox; minus strand). Cytogenetic location: 20q13.13.
Variant type: single nucleotide variant.
Coding change: c.511A>C on transcript NM_001282531.3 (MANE Select); coding-DNA position 511, A replaced by C.
Protein change: p.Thr171Pro; replaces threonine 171 with proline.
Molecular consequence: missense variant.
Genome position (GRCh38, 1-based): chr20:50,894,203, T>G on the plus strand (A>C on the coding strand, the complement: ADNP is on the minus strand). VCF-style: chr20-50894203-T-G. GRCh37 (hg19) VCF-style: chr20-49510740-T-G.
Other names: c.511A>C, p.Thr171Pro (NM_001282532.2, NM_001347511.2, NM_015339.5 and 1 more transcripts); short protein forms T171P.
Identifiers: ClinVar variation 2571138 (VCV002571138.27), dbSNP rs2515591484, ClinGen allele CA408977560.
Genomic context (GRCh38, chr20:50,894,203, plus strand): 5'-GCTGAAAATGTTCCCTGTAAATGTGCTTCCTAACTATTTCATAAAGAGGATCTCGGTAAG[T>G]GCACTTCTTACAGTAATAAACAGCTTGCTCTACACTGTCAGCCTGCTTAGGTTTAAGGCC-3'
Protein context (NP_001269460.1, residues 161-181): EQAVYYCKKC[Thr171Pro]YRDPLYEIVR

ClinVar aggregate classification (germline): Uncertain significance (1 of 4 stars; one submission).

gnomAD v4.1: 1 of 1,614,188 alleles (0.000062%); highest among the groups gnomAD compares: Non-Finnish European, 0.000085%; no homozygotes.

Submission:

CeGaT Center for Human Genetics Tuebingen
Classification: Uncertain significance. Last evaluated: 2023-06-01. Review status: criteria provided, single submitter. Criteria: CeGaT Center For Human Genetics Tuebingen Variant Classification Criteria Version 2. Collection method: clinical testing. Allele origin: germline. Affected: yes. Observed: 1 variant allele.
Comment: ADNP: PM2, BP5